The following is an entry in ClinVar:

ClinVar aggregate classification (germline): Uncertain significance (1 of 4 stars; one submission).

Conditions:
Supravalvar aortic stenosis (SVAS). Also called: Supravalvar aortic stenosis, Eisenberg type. Identifiers: Orphanet 3193, MedGen C0003499, MONDO:0008504, OMIM 185500, HP:0004381.

gnomAD v4.1: 8 of 1,612,740 alleles (0.0005%); highest among the groups gnomAD compares: Non-Finnish European, 0.00068%; no homozygotes.

Submission:

Labcorp Genetics (formerly Invitae), Labcorp
Classification: Uncertain significance for Supravalvar aortic stenosis. Last evaluated: 2024-10-30. Review status: criteria provided, single submitter. Criteria: Invitae Variant Classification Sherloc (09022015). Collection method: clinical testing. Allele origin: germline.
Comment: This sequence change replaces alanine, which is neutral and non-polar, with threonine, which is neutral and polar, at codon 306 of the ELN protein (p.Ala306Thr). This variant is not present in population databases (gnomAD no frequency). This variant has not been reported in the literature in individuals affected with ELN-related conditions. Experimental studies and prediction algorithms are not available or were not evaluated, and the functional significance of this variant is currently unknown. In summary, the available evidence is currently insufficient to determine the role of this variant in disease. Therefore, it has been classified as a Variant of Uncertain Significance.

NM_000501.4(ELN):c.916G>A (p.Ala306Thr)

Gene: ELN (elastin; plus strand). Cytogenetic location: 7q11.23.
Variant type: single nucleotide variant.
Coding change: c.916G>A on transcript NM_000501.4 (MANE Select); coding-DNA position 916, G replaced by A.
Protein change: p.Ala306Thr; replaces alanine 306 with threonine.
Molecular consequence: missense variant.
Genome position (GRCh38, 1-based): chr7:74,051,950, G>A. VCF-style: chr7-74051950-G-A. GRCh37 (hg19) VCF-style: chr7-73466280-G-A.
Other names: c.886G>A, p.Ala296Thr (NM_001081752.3, NM_001278917.2); c.931G>A, p.Ala311Thr (NM_001081753.3, NM_001081754.3); c.916G>A, p.Ala306Thr (NM_001081755.3, NM_001278912.2, NM_001278915.2 and 1 more transcripts); c.808G>A, p.Ala270Thr (NM_001278913.2); c.901G>A, p.Ala301Thr (NM_001278914.2); c.874G>A, p.Ala292Thr (NM_001278916.2); c.784G>A, p.Ala262Thr (NM_001278918.2); short protein forms A262T, A270T, A292T, A296T, A301T, A306T, A311T.
Identifiers: ClinVar variation 3620371 (VCV003620371.2).